The following is an entry in ClinVar:

NM_000552.5(VWF):c.3377G>A (p.Cys1126Tyr)

Gene: VWF (von Willebrand factor; minus strand). Cytogenetic location: 12p13.31.
Variant type: single nucleotide variant.
Coding change: c.3377G>A on transcript NM_000552.5 (MANE Select); coding-DNA position 3377, G replaced by A.
Protein change: p.Cys1126Tyr; replaces cysteine 1126 with tyrosine.
Molecular consequence: missense variant.
Genome position (GRCh38, 1-based): chr12:6,023,633, C>T on the plus strand (G>A on the coding strand, the complement: VWF is on the minus strand). VCF-style: chr12-6023633-C-T. GRCh37 (hg19) VCF-style: chr12-6132799-C-T.
Other names: short protein forms C1126Y.
Identifiers: ClinVar variation 811364 (VCV000811364.9), dbSNP rs1591866134, ClinGen allele CA383511780.

ClinVar aggregate classification (germline): Uncertain significance. Review status: criteria provided, single submitter (1 of 4 stars). 2 submissions from 2 submitters: Uncertain significance (1). 1 of the submissions does not count toward it. Last evaluated 2019-03-19.

Conditions:
von Willebrand disease type 2 (VWD2). Also called: VON WILLEBRAND DISEASE, TYPE II; VWD, TYPE 2; VON WILLEBRAND DISEASE, TYPE 2A/IIE; VON WILLEBRAND DISEASE, TYPE 2CB. Identifiers: Orphanet 166081, Orphanet 903, MedGen C1264040, MONDO:0013304, OMIM 613554.

Submissions (2):

ARUP Laboratories, Molecular Genetics and Genomics, ARUP Laboratories
Classification: Uncertain significance. Last evaluated: 2019-03-19. Review status: criteria provided, single submitter. Criteria: ARUP Molecular Germline Variant Investigation Process. Collection method: clinical testing. Allele origin: germline.
Comment: The VWF c.3377G>A; p.Cys1126Tyr variant, to our knowledge, is not reported in the medical literature or gene-specific databases. The variant is also absent from general population databases (1000 Genomes Project, Exome Variant Server, and Genome Aggregation Database), indicating it is not a common polymorphism. The amino acid at this position is highly conserved and computational algorithms (PolyPhen-2, SIFT) predict this variant is deleterious. Due to limited information, the clinical significance of the variant is uncertain at this time.

Angelo Bianchi Bonomi Hemophilia and Thrombosis Center, Fondazione IRCCS Ca Granda Ospedale Maggiore Policlinico
Classification: Uncertain significance for von Willebrand disease type 2. Last evaluated: 2022-04-26. Review status: no assertion criteria provided. Collection method: clinical testing. Allele origin: germline. Affected: yes. Not counted in ClinVar's aggregate classification.